The following is an entry in ClinVar:

NM_206933.4(USH2A):c.5603T>G (p.Phe1868Cys)

Genes: USH2A (usherin; minus strand), USH2A-AS2 (USH2A antisense RNA 2; plus strand). Cytogenetic location: 1q41.
Variant type: single nucleotide variant.
Coding change: c.5603T>G on transcript NM_206933.4 (MANE Select); coding-DNA position 5603, T replaced by G.
Protein change: p.Phe1868Cys; replaces phenylalanine 1868 with cysteine.
Molecular consequence: missense variant.
Genome position (GRCh38, 1-based): chr1:216,073,270, A>C on the plus strand (T>G on the coding strand, the complement: USH2A is on the minus strand). VCF-style: chr1-216073270-A-C. GRCh37 (hg19) VCF-style: chr1-216246612-A-C.
Other names: short protein forms F1868C.
Identifiers: ClinVar variation 438023 (VCV000438023.15), dbSNP rs1553298240, ClinGen allele CA344854897.

ClinVar aggregate classification (germline): Pathogenic/Likely pathogenic. Review status: criteria provided, multiple submitters, no conflicts (2 of 4 stars). 7 submissions from 7 submitters: Pathogenic (2); Likely pathogenic (3). 2 of the submissions do not count toward it. Last evaluated 2024-12-19.

Conditions:
Usher syndrome. Also called: Usher Syndromes; Usher's syndrome. Identifiers: Orphanet 886, MedGen CN469326, MeSH D052245, MONDO:0019501. Disease mechanism: loss of function.
Retinitis pigmentosa 39 (RP39). Identifiers: Orphanet 791, MedGen C3151138, MONDO:0013436, OMIM 613809.
Usher syndrome type 2A. Also called: RETINAL DISEASE IN USHER SYNDROME TYPE IIA, MODIFIER OF; USHER SYNDROME, TYPE IIA. Identifiers: Orphanet 231178, Orphanet 886, MedGen C1848634, MONDO:0010169, OMIM 276901.
USH2A-related disorder. Also called: USH2A-related condition; USH2A-related disorders. Identifiers: MedGen CN239332.

Allele frequency attached by ClinVar (database versions not stated): gnomAD exomes 0.00002.
gnomAD v4.1: 14 of 1,613,756 alleles (0.00087%); highest among the groups gnomAD compares: Non-Finnish European, 0.0012%; no homozygotes.

Submissions (7):

Natera, Inc.
Classification: Likely pathogenic for Usher syndrome type 2A. Last evaluated: 2024-12-19. Review status: criteria provided, single submitter. Criteria: Natera Variant Classification Schema (03/2026). Collection method: clinical testing. Allele origin: germline.
Comment: The c.5603T>G variant in USH2A is a missense variant predicted to cause substitution of phenylalanine to cysteine at amino acid 1868. This variant is rare in the general population with a frequency below the threshold expected for the associated phenotype(s). This variant has been observed in one or more individuals affected with the associated recessive disease, as either homozygous or compound heterozygous with a second variant (PMID: 22135276, 29142287, 28041643, 32098976). Additionally, this variant has been observed to segregate in affected family members (PMID: 29142287). Computational prediction algorithms indicate this variant is likely to affect gene or protein function. Given the available evidence, this variant is classified as Likely Pathogenic.

GeneDx
Classification: Likely pathogenic. Last evaluated: 2024-07-30. Review status: criteria provided, single submitter. Criteria: GeneDx Variant Classification Process June 2021. Collection method: clinical testing. Allele origin: germline. Affected: yes.
Comment: Not observed at significant frequency in large population cohorts (gnomAD); In silico analysis supports that this missense variant has a deleterious effect on protein structure/function; This variant is associated with the following publications: (PMID: 29142287, 38219857, 35266249, 28041643, 33749171, 22135276)

Women's Health and Genetics/Laboratory Corporation of America, LabCorp
Classification: Likely pathogenic for Usher syndrome. Last evaluated: 2024-07-02. Review status: criteria provided, single submitter. Criteria: LabCorp Variant Classification Summary - May 2015. Collection method: clinical testing. Allele origin: germline.
Comment: Variant summary: USH2A c.5603T>G (p.Phe1868Cys) results in a non-conservative amino acid change located in the Laminin G domain (IPR001791) of the encoded protein sequence. Five of five in-silico tools predict a damaging effect of the variant on protein function. The variant was absent in 250528 control chromosomes. c.5603T>G has been reported in the literature in comppound heterozygous individuals affected with Usher Syndrome and in one family, this variant has been shown to segregate with disease (Le Quesne Stabej_2012, Cipriani_2020, Eandi_2017, Lin_2024, Sheck_2021). These data indicate that the variant is likely to be associated with disease. To our knowledge, no experimental evidence demonstrating an impact on protein function has been reported. The following publications have been ascertained in the context of this evaluation (PMID: 32340307, 29142287, 22135276, 38219857, 33749171). ClinVar contains an entry for this variant (Variation ID: 438023). Based on the evidence outlined above, the variant was classified as likely pathogenic.

Labcorp Genetics (formerly Invitae), Labcorp
Classification: Pathogenic. Last evaluated: 2023-06-20. Review status: criteria provided, single submitter. Criteria: Invitae Variant Classification Sherloc (09022015). Collection method: clinical testing. Allele origin: germline.
Comment: For these reasons, this variant has been classified as Pathogenic. Advanced modeling of protein sequence and biophysical properties (such as structural, functional, and spatial information, amino acid conservation, physicochemical variation, residue mobility, and thermodynamic stability) performed at Invitae indicates that this missense variant is expected to disrupt USH2A protein function. ClinVar contains an entry for this variant (Variation ID: 438023). This missense change has been observed in individual(s) with Usher syndrome (PMID: 22135276, 28041643, 29142287). In at least one individual the data is consistent with being in trans (on the opposite chromosome) from a pathogenic variant. It has also been observed to segregate with disease in related individuals. This variant is not present in population databases (gnomAD no frequency). This sequence change replaces phenylalanine, which is neutral and non-polar, with cysteine, which is neutral and slightly polar, at codon 1868 of the USH2A protein (p.Phe1868Cys).

Blueprint Genetics
Classification: Pathogenic for USH2A-related disorders. Last evaluated: 2019-07-15. Review status: criteria provided, single submitter. Criteria: ACMG Guidelines, 2015. Collection method: clinical testing. Allele origin: germline. Affected: yes. Observed: 3 variant alleles.

NIHR Bioresource Rare Diseases, University of Cambridge
Classification: Likely pathogenic for Usher syndrome. Last evaluated: 2015-01-01. Review status: no assertion criteria provided. Collection method: research. Allele origin: unknown. Affected: yes. Observed: 1 variant allele. Not counted in ClinVar's aggregate classification.

Counsyl
Classification: Uncertain significance for Usher syndrome type 2A; Retinitis pigmentosa 39. Last evaluated: 2017-09-19. Review status: flagged submission. Collection method: clinical testing. Allele origin: unknown. Not counted in ClinVar's aggregate classification.
ClinVar note: Reason: Older and outlier claim with insufficient supporting evidence

Literature cited by the submitters: PubMed 22135276 (cited by 5 submitters); PubMed 29142287 (cited by 3 submitters); PubMed 28041643 (cited by 3 submitters); PubMed 32098976 (cited by Natera, Inc.); PubMed 33749171 (cited by Women's Health and Genetics/Laboratory Corporation of America, LabCorp); PubMed 35266249 (cited by Women's Health and Genetics/Laboratory Corporation of America, LabCorp); PubMed 32340307 (cited by Women's Health and Genetics/Laboratory Corporation of America, LabCorp); PubMed 38219857 (cited by Women's Health and Genetics/Laboratory Corporation of America, LabCorp).